The following is an entry in ClinVar:

ClinVar aggregate classification (germline): Uncertain significance. Review status: criteria provided, multiple submitters, no conflicts (2 of 4 stars). 3 submissions from 3 submitters: Uncertain significance (3). Last evaluated 2025-04-30.

Conditions:
Familial thoracic aortic aneurysm and aortic dissection (TAAD). Also called: Thoracic aortic aneurysms and dissections. Identifiers: Orphanet 91387, MedGen C4707243, MONDO:0019625.

Allele frequency attached by ClinVar (database versions not stated): gnomAD 0.00001; TOPMed 0.00001.

Submissions (3):

Mayo Clinic Laboratories, Mayo Clinic
Classification: Uncertain significance. Last evaluated: 2025-04-30. Review status: criteria provided, single submitter. Criteria: ACMG Guidelines, 2015. Collection method: clinical testing. Allele origin: germline. Observed: 2 variant alleles.
Comment: BP4, PM2_supporting

Labcorp Genetics (formerly Invitae), Labcorp
Classification: Uncertain significance for Familial thoracic aortic aneurysm and aortic dissection. Last evaluated: 2024-12-23. Review status: criteria provided, single submitter. Criteria: Invitae Variant Classification Sherloc (09022015). Collection method: clinical testing. Allele origin: germline.
Comment: This sequence change replaces alanine, which is neutral and non-polar, with threonine, which is neutral and polar, at codon 18 of the TGFBR1 protein (p.Ala18Thr). The frequency data for this variant in the population databases is considered unreliable, as metrics indicate insufficient coverage at this position in the gnomAD database. This variant has not been reported in the literature in individuals affected with TGFBR1-related conditions. ClinVar contains an entry for this variant (Variation ID: 1396060). Invitae Evidence Modeling of protein sequence and biophysical properties (such as structural, functional, and spatial information, amino acid conservation, physicochemical variation, residue mobility, and thermodynamic stability) indicates that this missense variant is not expected to disrupt TGFBR1 protein function with a negative predictive value of 95%. In summary, the available evidence is currently insufficient to determine the role of this variant in disease. Therefore, it has been classified as a Variant of Uncertain Significance.

Ambry Genetics
Classification: Uncertain significance for Familial thoracic aortic aneurysm and aortic dissection. Last evaluated: 2022-11-15. Review status: criteria provided, single submitter. Criteria: Ambry Variant Classification Scheme 2023. Collection method: clinical testing. Allele origin: germline.
Comment: The p.A18T variant (also known as c.52G>A), located in coding exon 1 of the TGFBR1 gene, results from a G to A substitution at nucleotide position 52. The alanine at codon 18 is replaced by threonine, an amino acid with similar properties. This amino acid position is conserved. In addition, this alteration is predicted to be tolerated by in silico analysis. Since supporting evidence is limited at this time, the clinical significance of this alteration remains unclear.

NM_004612.4(TGFBR1):c.52G>A (p.Ala18Thr)

Gene: TGFBR1 (transforming growth factor beta receptor 1; plus strand). Cytogenetic location: 9q22.33.
Variant type: single nucleotide variant.
Coding change: c.52G>A on transcript NM_004612.4 (MANE Select); coding-DNA position 52, G replaced by A.
Protein change: p.Ala18Thr; replaces alanine 18 with threonine.
Molecular consequence: missense variant.
Genome position (GRCh38, 1-based): chr9:99,105,257, G>A. VCF-style: chr9-99105257-G-A. GRCh37 (hg19) VCF-style: chr9-101867539-G-A.
Other names: p.Ala18Thr; c.52G>A (NM_004612.2); c.52G>A, p.Ala18Thr (NM_001130916.3, NM_001306210.2); short protein forms A18T.
Identifiers: ClinVar variation 1396060 (VCV001396060.9), dbSNP rs1243596219, ClinGen allele CA374223600.
Genomic context (GRCh38, chr9:99,105,257, plus strand): 5'-GGCGGGACCATGGAGGCGGCGGTCGCTGCTCCGCGTCCCCGGCTGCTCCTCCTCGTGCTG[G>A]CGGCGGCGGCGGCGGCGGCGGCGGCGCTGCTCCCGGGGGCGACGGGTGAGCGGCGGCGCG-3'
Protein context (NP_004603.1, residues 8-28): PRPRLLLLVL[Ala18Thr]AAAAAAAALL